The following is an entry in ClinVar:

ClinVar aggregate classification (germline): Likely pathogenic (1 of 4 stars; one submission).

Conditions:
Glycogen storage disease type III (GSD3). Also called: FORBES DISEASE; Cori disease. Identifiers: Orphanet 366, MedGen C0017922, MONDO:0009291, OMIM 232400.

Submission:

Myriad Genetics, Inc.
Classification: Likely pathogenic for Glycogen storage disease type III. Last evaluated: 2021-12-01. Review status: criteria provided, single submitter. Criteria: Myriad Women's Health Autosomal Recessive and X-Linked Classification Criteria (2021). Collection method: clinical testing. Allele origin: unknown.
Comment: NM_000642.2(AGL):c.623G>A(W208*) is expected to be pathogenic in the context of glycogen storage disease type III. This variant is predicted to lead to an abnormal or absent protein product due to the creation of a premature termination codon in AGL, a gene where loss-of-function variants are known to be pathogenic. Please note: this variant was assessed in the context of healthy population screening.

NM_000642.3(AGL):c.623G>A (p.Trp208Ter)

Gene: AGL (amylo-alpha-1,6-glucosidase and 4-alpha-glucanotransferase; plus strand). Cytogenetic location: 1p21.2.
Variant type: single nucleotide variant.
Coding change: c.623G>A on transcript NM_000642.3 (MANE Select); coding-DNA position 623, G replaced by A.
Protein change: p.Trp208Ter; replaces tryptophan 208 with a stop codon.
Molecular consequence: nonsense.
Genome position (GRCh38, 1-based): chr1:99,864,548, G>A. VCF-style: chr1-99864548-G-A. GRCh37 (hg19) VCF-style: chr1-100330104-G-A.
Other names: c.623G>A, p.Trp208Ter (NM_000028.3, NM_000643.3, NM_000644.3 and 3 more transcripts); c.575G>A, p.Trp192Ter (NM_000646.3); c.245G>A, p.Trp82Ter (NM_001425332.1); short protein forms W192*, W208*, W82*.
Identifiers: ClinVar variation 1726092 (VCV001726092.2), dbSNP rs772920146, ClinGen allele CA341336197.